The following is an entry in ClinVar:

NM_004793.4(LONP1):c.79G>T (p.Ala27Ser)

Gene: LONP1 (lon peptidase 1, mitochondrial; minus strand). Cytogenetic location: 19p13.3.
Variant type: single nucleotide variant.
Coding change: c.79G>T on transcript NM_004793.4 (MANE Select); coding-DNA position 79, G replaced by T.
Protein change: p.Ala27Ser; replaces alanine 27 with serine.
Molecular consequence: missense variant. On other transcripts: non-coding transcript variant (1), intron variant (1).
Genome position (GRCh38, 1-based): chr19:5,720,054, C>A on the plus strand (G>T on the coding strand, the complement: LONP1 is on the minus strand). VCF-style: chr19-5720054-C-A. GRCh37 (hg19) VCF-style: chr19-5720065-C-A.
Other names: c.79G>T, p.Ala27Ser (NM_001276479.2); c.-160+165G>T (NM_001276480.1); short protein forms A27S.
Identifiers: ClinVar variation 4623758 (VCV004623758.2).

ClinVar aggregate classification (germline): Uncertain significance. Review status: criteria provided, multiple submitters, no conflicts (2 of 4 stars). 2 submissions from 2 submitters: Uncertain significance (2). Last evaluated 2025-11-06.

Conditions:
Inborn genetic diseases. Identifiers: MedGen C0950123, MeSH D030342.

Submissions (2):

Labcorp Genetics (formerly Invitae), Labcorp
Classification: Uncertain significance. Last evaluated: 2025-11-06. Review status: criteria provided, single submitter. Criteria: Invitae Variant Classification Sherloc (09022015). Collection method: clinical testing. Allele origin: germline.
Comment: This sequence change replaces alanine, which is neutral and non-polar, with serine, which is neutral and polar, at codon 27 of the LONP1 protein (p.Ala27Ser). This variant is not present in population databases (gnomAD no frequency). This variant has not been reported in the literature in individuals affected with LONP1-related conditions. Invitae Evidence Modeling of protein sequence and biophysical properties (such as structural, functional, and spatial information, amino acid conservation, physicochemical variation, residue mobility, and thermodynamic stability) has been performed for this missense variant. However, the output from this modeling did not meet the statistical confidence thresholds required to predict the impact of this variant on LONP1 protein function. In summary, the available evidence is currently insufficient to determine the role of this variant in disease. Therefore, it has been classified as a Variant of Uncertain Significance.

Ambry Genetics
Classification: Uncertain significance for Inborn genetic diseases. Last evaluated: 2025-11-02. Review status: criteria provided, single submitter. Criteria: Ambry Variant Classification Scheme 2023. Collection method: clinical testing. Allele origin: germline.